The following is an entry in ClinVar:

NM_206933.4(USH2A):c.6761C>T (p.Pro2254Leu)

Gene: USH2A (usherin; minus strand). Cytogenetic location: 1q41.
Variant type: single nucleotide variant.
Coding change: c.6761C>T on transcript NM_206933.4 (MANE Select); coding-DNA position 6761, C replaced by T.
Protein change: p.Pro2254Leu; replaces proline 2254 with leucine.
Molecular consequence: missense variant.
Genome position (GRCh38, 1-based): chr1:215,993,064, G>A on the plus strand (C>T on the coding strand, the complement: USH2A is on the minus strand). VCF-style: chr1-215993064-G-A. GRCh37 (hg19) VCF-style: chr1-216166406-G-A.
Other names: short protein forms P2254L.
Identifiers: ClinVar variation 1415399 (VCV001415399.6), dbSNP rs1230579970, ClinGen allele CA344860371.

ClinVar aggregate classification (germline): Uncertain significance. Review status: criteria provided, multiple submitters, no conflicts (2 of 4 stars). 2 submissions from 2 submitters: Uncertain significance (2). Last evaluated 2022-05-12.

Allele frequency attached by ClinVar (database versions not stated): TOPMed below 0.00001; gnomAD 0.00001; gnomAD exomes 0.00002.
gnomAD v4.1: 24 of 1,613,996 alleles (0.0015%); highest among the groups gnomAD compares: Non-Finnish European, 0.002%; no homozygotes.

Submissions (2):

Labcorp Genetics (formerly Invitae), Labcorp
Classification: Uncertain significance. Last evaluated: 2022-05-12. Review status: criteria provided, single submitter. Criteria: Invitae Variant Classification Sherloc (09022015). Collection method: clinical testing. Allele origin: germline.
Comment: This sequence change replaces proline, which is neutral and non-polar, with leucine, which is neutral and non-polar, at codon 2254 of the USH2A protein (p.Pro2254Leu). This variant is not present in population databases (gnomAD no frequency). This variant has not been reported in the literature in individuals affected with USH2A-related conditions. Algorithms developed to predict the effect of missense changes on protein structure and function are either unavailable or do not agree on the potential impact of this missense change (SIFT: "Deleterious"; PolyPhen-2: "Possibly Damaging"; Align-GVGD: "Class C15"). In summary, the available evidence is currently insufficient to determine the role of this variant in disease. Therefore, it has been classified as a Variant of Uncertain Significance.

Blueprint Genetics
Classification: Uncertain significance. Last evaluated: 2020-09-10. Review status: criteria provided, single submitter. Criteria: ACMG Guidelines, 2015. Collection method: clinical testing. Allele origin: germline.